The following is an entry in ClinVar:

NM_003190.5(TAPBP):c.571G>A (p.Ala191Thr)

Gene: TAPBP (TAP binding protein; minus strand). Cytogenetic location: 6p21.32.
Variant type: single nucleotide variant.
Coding change: c.571G>A on transcript NM_003190.5 (MANE Select); coding-DNA position 571, G replaced by A.
Protein change: p.Ala191Thr; replaces alanine 191 with threonine.
Molecular consequence: missense variant.
Genome position (GRCh38, 1-based): chr6:33,305,286, C>T on the plus strand (G>A on the coding strand, the complement: TAPBP is on the minus strand). VCF-style: chr6-33305286-C-T. GRCh37 (hg19) VCF-style: chr6-33273063-C-T.
Other names: c.571G>A, p.Ala191Thr (NM_172208.3); c.310G>A, p.Ala104Thr (NM_172209.3); c.571G>A (NM_003190.4); short protein forms A104T, A191T.
Identifiers: ClinVar variation 1490284 (VCV001490284.9), dbSNP rs1768904241, ClinGen allele CA363691881.

ClinVar aggregate classification (germline): Uncertain significance. Review status: criteria provided, multiple submitters, no conflicts (2 of 4 stars). 2 submissions from 2 submitters: Uncertain significance (2). Last evaluated 2025-02-10.

Conditions:
MHC class I deficiency. Identifiers: Orphanet 34592, MedGen C6024714, MONDO:0011476.

Allele frequency attached by ClinVar (database versions not stated): gnomAD exomes 0.00001.

Submissions (2):

Labcorp Genetics (formerly Invitae), Labcorp
Classification: Uncertain significance for MHC class I deficiency 1. Last evaluated: 2025-02-10. Review status: criteria provided, single submitter. Criteria: Invitae Variant Classification Sherloc (09022015). Collection method: clinical testing. Allele origin: germline.
Comment: This sequence change replaces alanine, which is neutral and non-polar, with threonine, which is neutral and polar, at codon 191 of the TAPBP protein (p.Ala191Thr). This variant is not present in population databases (gnomAD no frequency). This variant has not been reported in the literature in individuals affected with TAPBP-related conditions. ClinVar contains an entry for this variant (Variation ID: 1490284). An algorithm developed to predict the effect of missense changes on protein structure and function (PolyPhen-2) suggests that this variant is likely to be tolerated. In summary, the available evidence is currently insufficient to determine the role of this variant in disease. Therefore, it has been classified as a Variant of Uncertain Significance.

Ambry Genetics
Classification: Uncertain significance. Last evaluated: 2025-01-17. Review status: criteria provided, single submitter. Criteria: Ambry Variant Classification Scheme 2023. Collection method: clinical testing. Allele origin: germline.